The following is an entry in ClinVar:

NM_004994.3(MMP9):c.1300G>A (p.Asp434Asn)

Gene: MMP9 (matrix metallopeptidase 9; plus strand). Cytogenetic location: 20q13.12.
Variant type: single nucleotide variant.
Coding change: c.1300G>A on transcript NM_004994.3 (MANE Select); coding-DNA position 1300, G replaced by A.
Protein change: p.Asp434Asn; replaces aspartic acid 434 with asparagine.
Molecular consequence: missense variant.
Genome position (GRCh38, 1-based): chr20:46,012,552, G>A. VCF-style: chr20-46012552-G-A. GRCh37 (hg19) VCF-style: chr20-44641191-G-A.
Other names: short protein forms D434N.
Identifiers: ClinVar variation 3635567 (VCV003635567.1).
Genomic context (GRCh38, chr20:46,012,552, plus strand): 5'-GTGCCGGAGGCGCTCATGTACCCTATGTACCGCTTCACTGAGGGGCCCCCCTTGCATAAG[G>A]ACGACGTGAATGGCATCCGGCACCTCTATGGTGAGGCAGGGGCAGGGATGGGAGGAGGAG-3'
Protein context (NP_004985.2, residues 424-444): RFTEGPPLHK[Asp434Asn]DVNGIRHLYG

ClinVar aggregate classification (germline): Uncertain significance (1 of 4 stars; one submission).

gnomAD v4.1: 60 of 1,613,874 alleles (0.0037%); highest among the groups gnomAD compares: Non-Finnish European, 0.0051%; no homozygotes.

Submission:

Labcorp Genetics (formerly Invitae), Labcorp
Classification: Uncertain significance. Last evaluated: 2024-11-18. Review status: criteria provided, single submitter. Criteria: Invitae Variant Classification Sherloc (09022015). Collection method: clinical testing. Allele origin: germline.
Comment: This sequence change replaces aspartic acid, which is acidic and polar, with asparagine, which is neutral and polar, at codon 434 of the MMP9 protein (p.Asp434Asn). This variant is present in population databases (rs199893610, gnomAD 0.004%). This variant has not been reported in the literature in individuals affected with MMP9-related conditions. Invitae Evidence Modeling of protein sequence and biophysical properties (such as structural, functional, and spatial information, amino acid conservation, physicochemical variation, residue mobility, and thermodynamic stability) indicates that this missense variant is expected to disrupt MMP9 protein function with a positive predictive value of 80%. In summary, the available evidence is currently insufficient to determine the role of this variant in disease. Therefore, it has been classified as a Variant of Uncertain Significance.